The following is an entry in ClinVar:

ClinVar aggregate classification (germline): Pathogenic (1 of 4 stars; one submission).

Submission:

Labcorp Genetics (formerly Invitae), Labcorp
Classification: Pathogenic. Last evaluated: 2022-12-06. Review status: criteria provided, single submitter. Criteria: Invitae Variant Classification Sherloc (09022015). Collection method: clinical testing. Allele origin: germline.
Comment: For these reasons, this variant has been classified as Pathogenic. Algorithms developed to predict the effect of sequence changes on RNA splicing suggest that this variant may create or strengthen a splice site. ClinVar contains an entry for this variant (Variation ID: 1453985). This variant has not been reported in the literature in individuals affected with COQ8B-related conditions. This variant is not present in population databases (gnomAD no frequency). This sequence change creates a premature translational stop signal (p.Glu271*) in the COQ8B gene. It is expected to result in an absent or disrupted protein product. Loss-of-function variants in COQ8B are known to be pathogenic (PMID: 24270420).

Literature cited by the submitters: PubMed 24270420.

NM_024876.4(COQ8B):c.811G>T (p.Glu271Ter)

Gene: COQ8B (coenzyme Q8B; minus strand). Cytogenetic location: 19q13.2.
Variant type: single nucleotide variant.
Coding change: c.811G>T on transcript NM_024876.4 (MANE Select); coding-DNA position 811, G replaced by T.
Protein change: p.Glu271Ter; replaces glutamic acid 271 with a stop codon.
Molecular consequence: nonsense.
Genome position (GRCh38, 1-based): chr19:40,702,682, C>A on the plus strand (G>T on the coding strand, the complement: COQ8B is on the minus strand). VCF-style: chr19-40702682-C-A. GRCh37 (hg19) VCF-style: chr19-41208587-C-A.
Other names: c.688G>T, p.Glu230Ter (NM_001142555.3); short protein forms E230*, E271*.
Identifiers: ClinVar variation 1453985 (VCV001453985.6), dbSNP rs1292210350, ClinGen allele CA405962142.